The following is an entry in ClinVar:

ClinVar aggregate classification (germline): Uncertain significance. Review status: criteria provided, multiple submitters, no conflicts (2 of 4 stars). 2 submissions from 2 submitters: Uncertain significance (2). Last evaluated 2023-08-11.

Conditions:
Granulomatous disease, chronic, autosomal recessive, cytochrome b-positive, type 2. Also called: GRANULOMATOUS DISEASE, CHRONIC, AUTOSOMAL RECESSIVE, 2; CGD, AUTOSOMAL RECESSIVE CYTOCHROME b-POSITIVE, TYPE II; GRANULOMATOUS DISEASE, CHRONIC, DUE TO NCF2 DEFICIENCY; Chronic granulomatous disease due to deficiency of NCF-2; Chronic Granulomatous Disease, Autosomal Recessive, Cytochrome b-Positive, Type II. Identifiers: Orphanet 379, MedGen C1856245, MONDO:0009310, OMIM 233710.

Allele frequency attached by ClinVar (database versions not stated): gnomAD 0.00001; TOPMed 0.00002.
gnomAD v4.1: 19 of 1,613,952 alleles (0.0012%); highest among the groups gnomAD compares: East Asian, 0.013%; no homozygotes.

Submissions (2):

GeneDx
Classification: Uncertain significance. Last evaluated: 2023-08-11. Review status: criteria provided, single submitter. Criteria: GeneDx Variant Classification Process June 2021. Collection method: clinical testing. Allele origin: germline. Affected: yes.
Comment: Identified in a patient with primary immunodeficiency in published literature, however, a second NCF2 variant was not identified and variants were present in other genes associated with immunodeficiency (PMID: 30290665); In silico analysis supports that this missense variant has a deleterious effect on protein structure/function; This variant is associated with the following publications: (PMID: 30290665)

Labcorp Genetics (formerly Invitae), Labcorp
Classification: Uncertain significance for Granulomatous disease, chronic, autosomal recessive, cytochrome b-positive, type 2. Last evaluated: 2021-09-01. Review status: criteria provided, single submitter. Criteria: Invitae Variant Classification Sherloc (09022015). Collection method: clinical testing. Allele origin: germline.
Comment: This sequence change replaces arginine with glutamine at codon 102 of the NCF2 protein (p.Arg102Gln). The arginine residue is highly conserved and there is a small physicochemical difference between arginine and glutamine. This variant is present in population databases (rs137854515, ExAC 0.01%). This missense change has been observed in individual(s) with primary immunodeficiency disease (PMID: 30290665). Algorithms developed to predict the effect of missense changes on protein structure and function are either unavailable or do not agree on the potential impact of this missense change (SIFT: "Tolerated"; PolyPhen-2: "Possibly Damaging"; Align-GVGD: "Class C0"). In summary, the available evidence is currently insufficient to determine the role of this variant in disease. Therefore, it has been classified as a Variant of Uncertain Significance.

Literature cited by the submitters: PubMed 30290665 (cited by Labcorp Genetics (formerly Invitae), Labcorp).

NM_000433.4(NCF2):c.305G>A (p.Arg102Gln)

Gene: NCF2 (neutrophil cytosolic factor 2; minus strand). Cytogenetic location: 1q25.3.
Variant type: single nucleotide variant.
Coding change: c.305G>A on transcript NM_000433.4 (MANE Select); coding-DNA position 305, G replaced by A.
Protein change: p.Arg102Gln; replaces arginine 102 with glutamine.
Molecular consequence: missense variant.
Genome position (GRCh38, 1-based): chr1:183,577,660, C>T on the plus strand (G>A on the coding strand, the complement: NCF2 is on the minus strand). VCF-style: chr1-183577660-C-T. GRCh37 (hg19) VCF-style: chr1-183546795-C-T.
Other names: c.305G>A, p.Arg102Gln (NM_001127651.3, NM_001190789.2, NM_001190794.2); c.305G>A (NM_000433.3); short protein forms R102Q.
Identifiers: ClinVar variation 1020940 (VCV001020940.7), dbSNP rs137854515, ClinGen allele CA1285003.
Genomic context (GRCh38, chr1:183,577,660, plus strand): 5'-TCACAGGCAAACAGCTTGAACTGGAGCCCCAGGATCTTATAGTCTATCAGCTGGTTCCCT[C>T]GAAGCTGAATCAAGGCTTCTTTAAGGTCTTTGATAGCCAAATCATATCTGCAGGACAGAG-3'
Protein context (NP_000424.2, residues 92-112): KDLKEALIQL[Arg102Gln]GNQLIDYKIL